The following is an entry in ClinVar:

NM_152564.5(VPS13B):c.1318G>T (p.Glu440Ter)

Gene: VPS13B (vacuolar protein sorting 13 homolog B; plus strand). Cytogenetic location: 8q22.2.
Variant type: single nucleotide variant.
Coding change: c.1318G>T on transcript NM_152564.5 (MANE Select); coding-DNA position 1318, G replaced by T.
Protein change: p.Glu440Ter; replaces glutamic acid 440 with a stop codon.
Molecular consequence: nonsense.
Genome position (GRCh38, 1-based): chr8:99,135,030, G>T. VCF-style: chr8-99135030-G-T. GRCh37 (hg19) VCF-style: chr8-100147258-G-T.
Other names: c.1318G>T, p.Glu440Ter (NM_015243.3, NM_017890.5); short protein forms E440*.
Identifiers: ClinVar variation 3017217 (VCV003017217.3), dbSNP rs1320106244, ClinGen allele CA371862686.
Genomic context (GRCh38, chr8:99,135,030, plus strand): 5'-TATTAAATTCAATTCTTAGTTCTAATGTTTCCTTTCGTCTTATAGGCCCTTATGATGGGA[G>T]AACCTTTCTTTGATTGCCAGATTGGGTTTGTTGGTTGCAGAGCCATGTGCCTTAAAGGAA-3'

ClinVar aggregate classification (germline): Pathogenic (1 of 4 stars; one submission).

Conditions:
Cohen syndrome (COH1). Also called: Cutis verticis gyrata, retinitis pigmentosa, and sensorineural deafness; PEPPER SYNDROME. Identifiers: Orphanet 193, MedGen C0265223, MONDO:0008999, OMIM 216550.

Submission:

Labcorp Genetics (formerly Invitae), Labcorp
Classification: Pathogenic for Cohen syndrome. Last evaluated: 2023-01-28. Review status: criteria provided, single submitter. Criteria: Invitae Variant Classification Sherloc (09022015). Collection method: clinical testing. Allele origin: germline.
Comment: This variant has not been reported in the literature in individuals affected with VPS13B-related conditions. This sequence change creates a premature translational stop signal (p.Glu440*) in the VPS13B gene. It is expected to result in an absent or disrupted protein product. Loss-of-function variants in VPS13B are known to be pathogenic (PMID: 15141358, 16648375, 20461111). This variant is not present in population databases (gnomAD no frequency). For these reasons, this variant has been classified as Pathogenic.

Literature cited by the submitters: PubMed 15141358; PubMed 16648375; PubMed 20461111.